The following is an entry in ClinVar:

ClinVar aggregate classification (germline): Uncertain significance (1 of 4 stars; one submission).

gnomAD v4.1: 27 of 1,578,698 alleles (0.0017%); highest among the groups gnomAD compares: Non-Finnish European, 0.0022%; no homozygotes.

Submission:

Labcorp Genetics (formerly Invitae), Labcorp
Classification: Uncertain significance. Last evaluated: 2024-11-04. Review status: criteria provided, single submitter. Criteria: Invitae Variant Classification Sherloc (09022015). Collection method: clinical testing. Allele origin: germline.
Comment: This sequence change falls in intron 5 of the GATA5 gene. It does not directly change the encoded amino acid sequence of the GATA5 protein. It affects a nucleotide within the consensus splice site. This variant is present in population databases (no rsID available, gnomAD 0.002%). This variant has not been reported in the literature in individuals affected with GATA5-related conditions. Variants that disrupt the consensus splice site are a relatively common cause of aberrant splicing (PMID: 17576681, 9536098). Algorithms developed to predict the effect of sequence changes on RNA splicing suggest that this variant is not likely to affect RNA splicing. In summary, the available evidence is currently insufficient to determine the role of this variant in disease. Therefore, it has been classified as a Variant of Uncertain Significance.

Literature cited by the submitters: PubMed 17576681; PubMed 9536098.

NM_080473.5(GATA5):c.913+4C>G

Gene: GATA5 (GATA binding protein 5; minus strand). Cytogenetic location: 20q13.33.
Variant type: single nucleotide variant.
Coding change: c.913+4C>G on transcript NM_080473.5 (MANE Select); 4 bases into the intron after coding-DNA position 913, C replaced by G.
Molecular consequence: intron variant.
Genome position (GRCh38, 1-based): chr20:62,465,830, G>C on the plus strand (C>G on the coding strand, the complement: GATA5 is on the minus strand). VCF-style: chr20-62465830-G-C. GRCh37 (hg19) VCF-style: chr20-61040886-G-C.
Identifiers: ClinVar variation 3710387 (VCV003710387.2).
Genomic context (GRCh38, chr20:62,465,830, plus strand): 5'-GGAACTGGAGGCACCGAAGGCCACTCCGCAGGAGCGGGGCTGACTGCAGGGCCTGGCCAC[G>C]CACCTGAGGAGCCCCTGGCCTTGGCGATGGTCTTTGGCTTCCGCTTCCGTGTCTGGATGC-3'